The following is an entry in ClinVar:

NM_017827.4(SARS2):c.777G>A (p.Thr259=)

Gene: SARS2 (seryl-tRNA synthetase 2, mitochondrial; minus strand). Cytogenetic location: 19q13.2.
Variant type: single nucleotide variant.
Coding change: c.777G>A on transcript NM_017827.4 (MANE Select); coding-DNA position 777, G replaced by A.
Protein change: p.Thr259=; no amino-acid change (threonine 259 retained).
Molecular consequence: synonymous variant.
Genome position (GRCh38, 1-based): chr19:38,918,796, C>T on the plus strand (G>A on the coding strand, the complement: SARS2 is on the minus strand). VCF-style: chr19-38918796-C-T. GRCh37 (hg19) VCF-style: chr19-39409436-C-T.
Other names: c.783G>A, p.Thr261= (NM_001145901.2).
Identifiers: ClinVar variation 669445 (VCV000669445.24), dbSNP rs563299553, ClinGen allele CA9423025.

ClinVar aggregate classification (germline): Conflicting classifications of pathogenicity. Review status: criteria provided, conflicting classifications (1 of 4 stars). 5 submissions from 5 submitters: Uncertain significance (1); Benign (1); Likely benign (3). Last evaluated 2025-12-29.

Conditions:
Hyperuricemia, pulmonary hypertension, renal failure, alkalosis syndrome (HUPRAS). Also called: HUPRA SYNDROME; HYPERURICEMIA, PULMONARY HYPERTENSION, RENAL FAILURE, AND ALKALOSIS SYNDROME. Identifiers: Orphanet 363694, MedGen C3151209, MONDO:0013458, OMIM 613845.

Allele frequency attached by ClinVar (database versions not stated): ExAC 0.00227; gnomAD 0.00001 and 0.00021; TOPMed 0.00006; gnomAD exomes 0.00078; 1000 Genomes Project 30x 0.00172; 1000 Genomes Project 0.00200.
gnomAD v4.1: 555 of 1,561,732 alleles (0.036%); highest among the groups gnomAD compares: South Asian, 0.58%; 10 homozygotes.

Submissions (5):

Labcorp Genetics (formerly Invitae), Labcorp
Classification: Benign. Last evaluated: 2025-12-29. Review status: criteria provided, single submitter. Criteria: Invitae Variant Classification Sherloc (09022015). Collection method: clinical testing. Allele origin: germline.

CeGaT Center for Human Genetics Tuebingen
Classification: Likely benign. Last evaluated: 2025-02-01. Review status: criteria provided, single submitter. Criteria: CeGaT Center For Human Genetics Tuebingen Variant Classification Criteria Version 2. Collection method: clinical testing. Allele origin: germline. Affected: yes. Observed: 1 variant allele.
Comment: SARS2: BP4, BP7

Blueprint Genetics
Classification: Likely benign. Last evaluated: 2024-09-27. Review status: criteria provided, single submitter. Criteria: ACMG Guidelines, 2015. Collection method: clinical testing. Allele origin: germline.

GeneDx
Classification: Likely benign. Last evaluated: 2021-02-23. Review status: criteria provided, single submitter. Criteria: GeneDx Variant Classification Process June 2021. Collection method: clinical testing. Allele origin: germline. Affected: yes.

Illumina Laboratory Services, Illumina
Classification: Uncertain significance for Hyperuricemia, pulmonary hypertension, renal failure, alkalosis syndrome. Last evaluated: 2018-01-13. Review status: criteria provided, single submitter. Criteria: ICSL Variant Classification Criteria 13 December 2019. Collection method: clinical testing. Allele origin: germline.